The following is an entry in ClinVar:

ClinVar aggregate classification (germline): Uncertain significance (1 of 4 stars; one submission).

Conditions:
Cardiovascular phenotype. Identifiers: MedGen CN230736.

gnomAD v4.1: 1 of 1,614,210 alleles (0.000062%); highest among the groups gnomAD compares: Non-Finnish European, 0.000085%; no homozygotes.

Submission:

Ambry Genetics
Classification: Uncertain significance for Cardiovascular phenotype. Last evaluated: 2026-06-08. Review status: criteria provided, single submitter. Criteria: Ambry Variant Classification Scheme 2023. Collection method: clinical testing. Allele origin: germline.
Comment: The p.S523R variant (also known as c.1569C>A), located in coding exon 12 of the ENG gene, results from a C to A substitution at nucleotide position 1569. The serine at codon 523 is replaced by arginine, an amino acid with dissimilar properties. This amino acid position is conserved. In addition, this alteration is predicted to be tolerated by in silico analysis. Based on the available evidence, the clinical significance of this variant remains unclear.

NM_001114753.3(ENG):c.1569C>A (p.Ser523Arg)

Genes: ENG (endoglin; minus strand), LOC102723566 (uncharacterized LOC102723566; plus strand). Cytogenetic location: 9q34.11.
Variant type: single nucleotide variant.
Coding change: c.1569C>A on transcript NM_001114753.3 (MANE Select); coding-DNA position 1569, C replaced by A.
Protein change: p.Ser523Arg; replaces serine 523 with arginine.
Molecular consequence: missense variant.
Genome position (GRCh38, 1-based): chr9:127,818,237, G>T on the plus strand (C>A on the coding strand, the complement: ENG is on the minus strand). VCF-style: chr9-127818237-G-T. GRCh37 (hg19) VCF-style: chr9-130580516-G-T.
Other names: c.1569C>A, p.Ser523Arg (NM_000118.4); c.1023C>A, p.Ser341Arg (NM_001278138.2); short protein forms S341R, S523R.
Identifiers: ClinVar variation 4870483 (VCV004870483.1).